The following is an entry in ClinVar:

ClinVar aggregate classification (germline): Conflicting classifications of pathogenicity. Review status: criteria provided, conflicting classifications (1 of 4 stars). 14 submissions from 14 submitters: Uncertain significance (5); Benign (1); Likely benign (3). 5 of the submissions do not count toward it. Last evaluated 2026-08-01.

Conditions:
Inborn genetic diseases. Identifiers: MedGen C0950123, MeSH D030342.
Mosaic variegated aneuploidy syndrome 1 (MVA1). Also called: Warburton-Anyane-Yeboa syndrome. Identifiers: Orphanet 1052, MedGen C1850343, MONDO:0009759, OMIM 257300.
BUB1B-related disorder. Also called: BUB1B-related condition.

Allele frequency attached by ClinVar (database versions not stated): gnomAD exomes 0.00071 and 0.00118; gnomAD 0.00073 and 0.00077; TOPMed 0.00073; ExAC 0.00085; ESP Exome Variant Server 0.00146.
gnomAD v4.1: 1,806 of 1,614,190 alleles (0.11%); highest among the groups gnomAD compares: Non-Finnish European, 0.14%; 3 homozygotes.

Submissions (14):

CeGaT Center for Human Genetics Tuebingen
Classification: Likely benign. Last evaluated: 2026-08-01. Review status: criteria provided, single submitter. Criteria: CeGaT Center For Human Genetics Tuebingen Variant Classification Criteria Version 2. Collection method: clinical testing. Allele origin: germline. Affected: yes. Observed: 1 variant allele.
Comment: BUB1B: BP4

Ambry Genetics
Classification: Likely benign for Inborn genetic diseases. Last evaluated: 2026-06-10. Review status: criteria provided, single submitter. Criteria: Ambry Variant Classification Scheme 2023. Collection method: clinical testing. Allele origin: germline.

St. Jude Molecular Pathology, St. Jude Children's Research Hospital
Classification: Uncertain significance for Mosaic variegated aneuploidy syndrome 1. Last evaluated: 2026-02-11. Review status: criteria provided, single submitter. Criteria: St. Jude Assertion Criteria 2020. Collection method: clinical testing. Allele origin: germline.
Comment: The BUB1B c.3094A>C (p.Asn1032His) missense change has a maximum subpopulation frequency of 0.13% in gnomAD v2.1.1 including 1 homozygote. The in silico tool REVEL predicts a benign effect on protein function, but to our knowledge this prediction has not been confirmed by functional studies. To our knowledge, this variant has not been reported in individuals with mosaic variegated aneuploidy syndrome. In summary, the evidence currently available is insufficient to determine the role of this variant in mosaic variegated aneuploidy syndrome. It has therefore been classified as of uncertain significance.

Labcorp Genetics (formerly Invitae), Labcorp
Classification: Benign for Mosaic variegated aneuploidy syndrome 1. Last evaluated: 2026-02-03. Review status: criteria provided, single submitter. Criteria: Invitae Variant Classification Sherloc (09022015). Collection method: clinical testing. Allele origin: germline.

Mayo Clinic Laboratories, Mayo Clinic
Classification: Likely benign. Last evaluated: 2025-07-23. Review status: criteria provided, single submitter. Criteria: ACMG Guidelines, 2015. Collection method: clinical testing. Allele origin: germline. Observed: 2 variant alleles.
Comment: BS1, BP4_moderate

Blueprint Genetics
Classification: Uncertain significance. Last evaluated: 2024-10-28. Review status: criteria provided, single submitter. Criteria: ACMG Guidelines, 2015. Collection method: clinical testing. Allele origin: germline.

Institute for Clinical Genetics, University Hospital TU Dresden, University Hospital TU Dresden
Classification: Uncertain significance. Last evaluated: 2021-11-03. Review status: criteria provided, single submitter. Criteria: ACMG Guidelines, 2015. Collection method: clinical testing. Allele origin: germline.

GeneDx
Classification: Uncertain significance. Last evaluated: 2020-01-16. Review status: criteria provided, single submitter. Criteria: GeneDx Variant Classification Process June 2021. Collection method: clinical testing. Allele origin: germline. Affected: yes.
Comment: In silico analysis, which includes protein predictors and evolutionary conservation, supports that this variant does not alter protein structure/function; Observed in individuals with pancreatic cancer (Shindo 2017); This variant is associated with the following publications: (PMID: 28767289)

Baylor Genetics
Classification: Uncertain significance for Mosaic variegated aneuploidy syndrome 1. Last evaluated: 2019-02-21. Review status: criteria provided, single submitter. Criteria: ACMG Guidelines, 2015. Collection method: clinical testing. Allele origin: maternal. Affected: yes. Study: CSER-TexasKidsCanSeq.
Comment: This variant was determined to be of uncertain significance according to ACMG Guidelines, 2015 [PMID:25741868].

PreventionGenetics, part of Exact Sciences
Classification: Uncertain significance for BUB1B-related condition. Last evaluated: 2024-04-26. Review status: no assertion criteria provided. Collection method: clinical testing. Allele origin: germline. Not counted in ClinVar's aggregate classification.
Comment: The BUB1B c.3094A>C variant is predicted to result in the amino acid substitution p.Asn1032His. To our knowledge, this variant has not been reported in the literature in an individual with mosaic variegated aneuploidy syndrome (MVA). This variant has been reported in six individuals in a large pancreatic cancer cohort (Shindo et al. 2017. PubMed ID: 28767289), but it is unclear at this time whether heterozygous germline BUB1B variants are associated with an increased risk of pancreatic cancer. This variant is reported in 0.13% of alleles in individuals of European (Non-Finnish) descent in gnomAD, including one homozygote, and has conflicting interpretations in ClinVar ranging from benign to uncertain. Although we suspect that this variant may be benign, the clinical significance of this variant is uncertain at this time due to the absence of conclusive functional and genetic evidence.

Clinical Genetics DNA and cytogenetics Diagnostics Lab, Erasmus MC, Erasmus Medical Center
Classification: Likely benign. Review status: no assertion criteria provided. Collection method: clinical testing. Allele origin: germline. Affected: yes. Study: VKGL Data-share Consensus. Not counted in ClinVar's aggregate classification.

Department of Pathology and Laboratory Medicine, Sinai Health System
Classification: Uncertain significance. Review status: no assertion criteria provided. Collection method: clinical testing. Allele origin: unknown. Affected: yes. Study: The Canadian Open Genetics Repository (COGR). Not counted in ClinVar's aggregate classification.
Comment: The BUB1B p.Asn1032His variant was not identified in the literature nor was it identified in the Cosmic database. The variant was identified in dbSNP (ID: rs34700927) as "With Uncertain significance allele" as well as in Clinvar as uncertain significance by one submitter, Invitae. The condition associated with this variant is Mosaic variegated aneuploidy syndrome. In the LOVD 3.0 database, the variant is classified as likely benign and probably does not affect protein function according to three submitters. The variant was identified in control databases in 201 of 282894 chromosomes (1 homozygous) at a frequency of 0.000711 increasing the likelihood this could be a low frequency benign variant (Genome Aggregation Database Feb 27, 2017). The variant was observed in the following populations: European (non-Finnish) in 172 of 129200 chromosomes (freq: 0.001331), Other in 8 of 7226 chromosomes (freq: 0.001107), Latino in 10 of 35440 chromosomes (freq: 0.000282), European (Finnish) in 5 of 25122 chromosomes (freq: 0.000199), Ashkenazi Jewish in 2 of 10370 chromosomes (freq: 0.000193), African in 4 of 24970 chromosomes (freq: 0.00016); it was not observed in the East Asian, South Asian, populations. The variant was also identified in the following databases: the NHLBI GO Exome Sequencing Project and the Exome Aggregation Consortium (August 8th 2016). The variant occurs outside of the splicing consensus sequence and in silico or computational prediction software programs (SpliceSiteFinder, MaxEntScan, NNSPLICE, and GeneSplicer) do not predict a difference in splicing. The p.Asn1032 residue is conserved in mammals but not in more distantly related organisms, however four out of five computational analyses (SIFT, AlignGVGD, BLOSUM, and MutationTaster) do not suggest a high likelihood of impact to the protein; this information is not predictive enough to rule out pathogenicity. In summary, based on the above information the clinical significance of this variant cannot be determined with certainty at this time. This variant is classified as a variant of uncertain significance.

Genome Diagnostics Laboratory, Amsterdam University Medical Center
Classification: Likely benign. Review status: no assertion criteria provided. Collection method: clinical testing. Allele origin: germline. Affected: yes. Study: VKGL Data-share Consensus. Not counted in ClinVar's aggregate classification.

Genome Diagnostics Laboratory, University Medical Center Utrecht
Classification: Likely benign. Review status: no assertion criteria provided. Collection method: clinical testing. Allele origin: germline. Affected: yes. Study: VKGL Data-share Consensus. Not counted in ClinVar's aggregate classification.

NM_001211.6(BUB1B):c.3094A>C (p.Asn1032His)

Genes: BUB1B (BUB1 mitotic checkpoint serine/threonine kinase B; plus strand), BUB1B-PAK6 (BUB1B-PAK6 readthrough; plus strand). Cytogenetic location: 15q15.1.
Variant type: single nucleotide variant.
Coding change: c.3094A>C on transcript NM_001211.6 (MANE Select); coding-DNA position 3094, A replaced by C.
Protein change: p.Asn1032His; replaces asparagine 1032 with histidine.
Molecular consequence: missense variant. On other transcripts: intron variant (2).
Genome position (GRCh38, 1-based): chr15:40,220,700, A>C. VCF-style: chr15-40220700-A-C. GRCh37 (hg19) VCF-style: chr15-40512901-A-C.
Other names: p.Asn1032His; c.-201+3033A>C (NM_001128628.3); c.-118+3033A>C (NM_001128629.3); short protein forms N1032H.
Identifiers: ClinVar variation 403757 (VCV000403757.30), dbSNP rs34700927, ClinGen allele CA7476195.